The following is an entry in ClinVar:

ClinVar aggregate classification (germline): Likely benign (0 of 4 stars; one submission).

Conditions:
CSMD1-related disorder. Also called: CSMD1-related condition.

Allele frequency attached by ClinVar (database versions not stated): ExAC 0.00001; gnomAD 0.00001; ESP Exome Variant Server 0.00008.
gnomAD v4.1: 13 of 1,591,236 alleles (0.00082%); highest among the groups gnomAD compares: Non-Finnish European, 0.0011%; no homozygotes.

Submission:

PreventionGenetics, part of Exact Sciences
Classification: Likely benign for CSMD1-related condition. Last evaluated: 2019-04-11. Review status: no assertion criteria provided. Collection method: clinical testing. Allele origin: germline.
Comment: This variant is classified as likely benign based on ACMG/AMP sequence variant interpretation guidelines (Richards et al. 2015 PMID: 25741868, with internal and published modifications).

NM_033225.6(CSMD1):c.7285+5G>C

Gene: CSMD1 (CUB and Sushi multiple domains 1; minus strand). Cytogenetic location: 8p23.2.
Variant type: single nucleotide variant.
Coding change: c.7285+5G>C on transcript NM_033225.6 (MANE Select); 5 bases into the intron after coding-DNA position 7285, G replaced by C.
Molecular consequence: intron variant.
Genome position (GRCh38, 1-based): chr8:3,091,511, C>G on the plus strand (G>C on the coding strand, the complement: CSMD1 is on the minus strand). VCF-style: chr8-3091511-C-G. GRCh37 (hg19) VCF-style: chr8-2949033-C-G.
Identifiers: ClinVar variation 3058594 (VCV003058594.2), dbSNP rs372134952, ClinGen allele CA4606090.